The following is an entry in ClinVar:

ClinVar aggregate classification (germline): Likely benign (1 of 4 stars; one submission).

Allele frequency attached by ClinVar (database versions not stated): gnomAD 0.00008; ExAC 0.00013; TOPMed 0.00017.
gnomAD v4.1: 87 of 1,613,060 alleles (0.0054%); highest among the groups gnomAD compares: East Asian, 0.091%; no homozygotes.

Submission:

CeGaT Center for Human Genetics Tuebingen
Classification: Likely benign. Last evaluated: 2023-07-01. Review status: criteria provided, single submitter. Criteria: CeGaT Center For Human Genetics Tuebingen Variant Classification Criteria Version 2. Collection method: clinical testing. Allele origin: germline. Affected: yes. Observed: 1 variant allele.
Comment: EPPK1: BP4, BP7

NM_031308.4(EPPK1):c.2367C>T (p.Pro789=)

Gene: EPPK1 (epiplakin 1; minus strand). Cytogenetic location: 8q24.3.
Variant type: single nucleotide variant.
Coding change: c.2367C>T on transcript NM_031308.4 (MANE Select); coding-DNA position 2367, C replaced by T.
Protein change: p.Pro789=; no amino-acid change (proline 789 retained).
Molecular consequence: synonymous variant.
Genome position (GRCh38, 1-based): chr8:143,870,887, G>A on the plus strand (C>T on the coding strand, the complement: EPPK1 is on the minus strand). VCF-style: chr8-143870887-G-A. GRCh37 (hg19) VCF-style: chr8-144945055-G-A.
Identifiers: ClinVar variation 2658937 (VCV002658937.24), dbSNP rs200117350, ClinGen allele CA4923085.
Genomic context (GRCh38, chr8:143,870,887, plus strand): 5'-GGCACTGTCCACCAGCGGGGACTGCGTGCTGCTGAGTGGCAGGAGGTACAGGCCCGTCTC[G>A]GGGTCACGCACACAGCGCTCCAGAAGCTGCAGGTACGTGAGGTTCTCGTGCGTGTTGGGG-3'
Protein context (NP_112598.3, residues 779-799): LQLLERCVRD[Pro789=]ETGLYLLPLS